The following is an entry in ClinVar:

ClinVar aggregate classification (germline): Likely benign. Review status: criteria provided, multiple submitters, no conflicts (2 of 4 stars). 3 submissions from 3 submitters: Likely benign (2). 1 of the submissions does not count toward it. Last evaluated 2026-01-27.

Conditions:
NAGA-related disorder. Also called: NAGA-related condition; NAGA-related disorders. Identifiers: MedGen CN378768.
Alpha-N-acetylgalactosaminidase deficiency type 1. Also called: NAGA DEFICIENCY, TYPE I; NEUROAXONAL DYSTROPHY, SCHINDLER TYPE; SCHINDLER DISEASE, TYPE I; ALPHA-N-ACETYLGALACTOSAMINIDASE DEFICIENCY, TYPE I. Identifiers: Orphanet 3137, Orphanet 79279, Orphanet 79281, MedGen C1836544, MONDO:0012221, OMIM 609241.

Allele frequency attached by ClinVar (database versions not stated): ESP Exome Variant Server 0.00038; gnomAD 0.00039 and 0.00041; 1000 Genomes Project 0.00040; gnomAD exomes 0.00002 and 0.00006; ExAC 0.00012; 1000 Genomes Project 30x 0.00031; TOPMed 0.00032.

Submissions (3):

Labcorp Genetics (formerly Invitae), Labcorp
Classification: Likely benign for Alpha-N-acetylgalactosaminidase deficiency type 1. Last evaluated: 2026-01-27. Review status: criteria provided, single submitter. Criteria: Invitae Variant Classification Sherloc (09022015). Collection method: clinical testing. Allele origin: germline.

Women's Health and Genetics/Laboratory Corporation of America, LabCorp
Classification: Likely benign. Last evaluated: 2024-09-11. Review status: criteria provided, single submitter. Criteria: LabCorp Variant Classification Summary - May 2015. Collection method: clinical testing. Allele origin: germline.

PreventionGenetics, part of Exact Sciences
Classification: Likely benign for NAGA-related condition. Last evaluated: 2019-09-26. Review status: no assertion criteria provided. Collection method: clinical testing. Allele origin: germline. Not counted in ClinVar's aggregate classification.
Comment: This variant is classified as likely benign based on ACMG/AMP sequence variant interpretation guidelines (Richards et al. 2015 PMID: 25741868, with internal and published modifications).

NM_000262.3(NAGA):c.1146T>C (p.Asp382=)

Gene: NAGA (alpha-N-acetylgalactosaminidase; minus strand). Cytogenetic location: 22q13.2.
Variant type: single nucleotide variant.
Coding change: c.1146T>C on transcript NM_000262.3 (MANE Select); coding-DNA position 1146, T replaced by C.
Protein change: p.Asp382=; no amino-acid change (aspartic acid 382 retained).
Molecular consequence: synonymous variant.
Genome position (GRCh38, 1-based): chr22:42,060,369, A>G on the plus strand (T>C on the coding strand, the complement: NAGA is on the minus strand). VCF-style: chr22-42060369-A-G. GRCh37 (hg19) VCF-style: chr22-42456373-A-G.
Other names: c.1146T>C, p.Asp382= (NM_001362848.1, NM_001362850.1).
Identifiers: ClinVar variation 717761 (VCV000717761.13), dbSNP rs6002590, ClinGen allele CA10263573.